The following is an entry in ClinVar:

ClinVar aggregate classification (germline): Uncertain significance (1 of 4 stars; one submission).

Conditions:
Intellectual developmental disorder, autosomal dominant 6, with or without seizures. Also called: GRIN2B-related developmental delay, intellectual disability and autism spectrum disorder; Intellectual disability, autosomal dominant 6. Identifiers: Orphanet 589547, MedGen C3151411, MONDO:0013509, OMIM 613970.
Developmental and epileptic encephalopathy, 27 (DEE27). Also called: Epileptic encephalopathy, early infantile, 27; GRIN2B-Related Neurodevelopmental Disorder. Identifiers: Orphanet 3451, MedGen C4015316, MONDO:0014505, OMIM 616139.

gnomAD v4.1: 3 of 1,614,182 alleles (0.00019%); highest among the groups gnomAD compares: Non-Finnish European, 0.00025%; no homozygotes.

Submission:

Labcorp Genetics (formerly Invitae), Labcorp
Classification: Uncertain significance for Developmental and epileptic encephalopathy, 27; Intellectual developmental disorder, autosomal dominant 6, with or without seizures. Last evaluated: 2022-12-02. Review status: criteria provided, single submitter. Criteria: Invitae Variant Classification Sherloc (09022015). Collection method: clinical testing. Allele origin: germline.
Comment: This sequence change replaces proline, which is neutral and non-polar, with threonine, which is neutral and polar, at codon 1282 of the GRIN2B protein (p.Pro1282Thr). In summary, the available evidence is currently insufficient to determine the role of this variant in disease. Therefore, it has been classified as a Variant of Uncertain Significance. Advanced modeling of protein sequence and biophysical properties (such as structural, functional, and spatial information, amino acid conservation, physicochemical variation, residue mobility, and thermodynamic stability) performed at Invitae indicates that this missense variant is not expected to disrupt GRIN2B protein function. This variant has not been reported in the literature in individuals affected with GRIN2B-related conditions. This variant is present in population databases (rs796592441, gnomAD 0.0009%).

NM_000834.5(GRIN2B):c.3844C>A (p.Pro1282Thr)

Gene: GRIN2B (glutamate ionotropic receptor NMDA type subunit 2B; minus strand). Cytogenetic location: 12p13.1.
Variant type: single nucleotide variant.
Coding change: c.3844C>A on transcript NM_000834.5 (MANE Select); coding-DNA position 3844, C replaced by A.
Protein change: p.Pro1282Thr; replaces proline 1282 with threonine.
Molecular consequence: missense variant.
Genome position (GRCh38, 1-based): chr12:13,563,394, G>T on the plus strand (C>A on the coding strand, the complement: GRIN2B is on the minus strand). VCF-style: chr12-13563394-G-T. GRCh37 (hg19) VCF-style: chr12-13716328-G-T.
Other names: c.3844C>A, p.Pro1282Thr (NM_001413992.1); short protein forms P1282T.
Identifiers: ClinVar variation 2938596 (VCV002938596.3), dbSNP rs796592441, ClinGen allele CA233133243.